The following is an entry in ClinVar:

ClinVar aggregate classification (germline): Pathogenic. Review status: criteria provided, single submitter (1 of 4 stars). 2 submissions from 2 submitters: Pathogenic (1). 1 of the submissions does not count toward it. Last evaluated 2024-04-15.

Conditions:
Factor XIII, A subunit, deficiency of. Also called: Factor XIII subunit A deficiency. Identifiers: Orphanet 331, MedGen C2750514, MONDO:0013187, OMIM 613225, HP:0040233.

Allele frequency attached by ClinVar (database versions not stated): TOPMed 0.00001.
gnomAD v4.1: 5 of 1,614,160 alleles (0.00031%); highest among the groups gnomAD compares: Non-Finnish European, 0.00042%; no homozygotes.

Submissions (2):

Mayo Clinic Laboratories, Mayo Clinic
Classification: Pathogenic. Last evaluated: 2024-04-15. Review status: criteria provided, single submitter. Criteria: ACMG Guidelines, 2015. Collection method: clinical testing. Allele origin: germline. Observed: 1 variant allele.
Comment: PM2_moderate, PM3_strong, PS4_moderate, PVS1

OMIM
Classification: Pathogenic for FACTOR XIII, A SUBUNIT, DEFICIENCY OF. Last evaluated: 1995-05-01. Review status: no assertion criteria provided. Collection method: literature only. Allele origin: germline. Not counted in ClinVar's aggregate classification.

Literature cited by the submitters: PubMed 7727776 (cited by Mayo Clinic Laboratories, Mayo Clinic and OMIM); PubMed 8555083 (cited by Mayo Clinic Laboratories, Mayo Clinic).

NM_000129.4(F13A1):c.1326C>A (p.Tyr442Ter)

Gene: F13A1 (coagulation factor XIII A chain; minus strand). Cytogenetic location: 6p25.1.
Variant type: single nucleotide variant.
Coding change: c.1326C>A on transcript NM_000129.4 (MANE Select); coding-DNA position 1326, C replaced by A.
Protein change: p.Tyr442Ter; replaces tyrosine 442 with a stop codon.
Molecular consequence: nonsense.
Genome position (GRCh38, 1-based): chr6:6,182,121, G>T on the plus strand (C>A on the coding strand, the complement: F13A1 is on the minus strand). VCF-style: chr6-6182121-G-T. GRCh37 (hg19) VCF-style: chr6-6182354-G-T.
Other names: F13A1, TYR441TER; Y441*; p.Tyr442*; short protein forms Y442*.
Identifiers: ClinVar variation 16526 (VCV000016526.2), dbSNP rs121913066, ClinGen allele CA126618.